The following is an entry in ClinVar:

ClinVar aggregate classification (germline): Pathogenic. Review status: criteria provided, multiple submitters, no conflicts (2 of 4 stars). 3 submissions from 3 submitters: Pathogenic (3). Last evaluated 2024-07-05.

Conditions:
GANAB-related disorder. Also called: GANAB-related condition.

gnomAD v4.1: 2 of 1,613,720 alleles (0.00012%); highest among the groups gnomAD compares: Middle Eastern, 0.017%; no homozygotes.

Submissions (3):

GeneDx
Classification: Pathogenic. Last evaluated: 2024-07-05. Review status: criteria provided, single submitter. Criteria: GeneDx Variant Classification Process June 2021. Collection method: clinical testing. Allele origin: germline. Affected: yes.
Comment: Nonsense variant predicted to result in protein truncation or nonsense mediated decay in a gene for which loss of function is a known mechanism of disease; Identified in a patient with bilateral renal cysts and a positive family history of polycystic kidney disease in published literature (PMID: 30792735); Not observed at significant frequency in large population cohorts (gnomAD); This variant is associated with the following publications: (PMID: 30792735)

Blueprint Genetics
Classification: Pathogenic for GANAB-related disorders. Last evaluated: 2022-02-04. Review status: criteria provided, single submitter. Criteria: ACMG Guidelines, 2015. Collection method: clinical testing. Allele origin: germline. Affected: yes. Observed: 2 variant alleles.

Labcorp Genetics (formerly Invitae), Labcorp
Classification: Pathogenic. Last evaluated: 2017-12-29. Review status: criteria provided, single submitter. Criteria: Invitae Variant Classification Sherloc (09022015). Collection method: clinical testing. Allele origin: germline.
Comment: This sequence change creates a premature translational stop signal (p.Arg61*) in the GANAB gene. It is expected to result in an absent or disrupted protein product. For these reasons, this variant has been classified as Pathogenic. Loss-of-function variants in GANAB are known to be pathogenic (PMID: 27259053). This variant has not been reported in the literature in individuals with GANAB-related disease. This variant is not present in population databases (ExAC no frequency).

Literature cited by the submitters: PubMed 27259053 (cited by Labcorp Genetics (formerly Invitae), Labcorp).

NM_198334.3(GANAB):c.181C>T (p.Arg61Ter)

Gene: GANAB (glucosidase II alpha subunit; minus strand). Cytogenetic location: 11q12.3.
Variant type: single nucleotide variant.
Coding change: c.181C>T on transcript NM_198334.3 (MANE Select); coding-DNA position 181, C replaced by T.
Protein change: p.Arg61Ter; replaces arginine 61 with a stop codon.
Molecular consequence: nonsense. On other transcripts: 5 prime UTR variant (4), intron variant (3).
Genome position (GRCh38, 1-based): chr11:62,639,430, G>A on the plus strand (C>T on the coding strand, the complement: GANAB is on the minus strand). VCF-style: chr11-62639430-G-A. GRCh37 (hg19) VCF-style: chr11-62406902-G-A.
Other names: c.-111C>T (NM_001329222.2, NM_001329223.2); c.-596C>T (NM_001329224.2, NM_001329225.2); c.181C>T, p.Arg61Ter (NM_198335.4); c.39-4430C>T (NM_001278193.2, NM_001278192.2); c.-40+197C>T (NM_001278194.2); short protein forms R61*.
Identifiers: ClinVar variation 620175 (VCV000620175.9), dbSNP rs760625230, ClinGen allele CA380996511.